The following is an entry in ClinVar:

ClinVar aggregate classification (germline): Uncertain significance. Review status: criteria provided, multiple submitters, no conflicts (2 of 4 stars). 2 submissions from 2 submitters: Uncertain significance (2). Last evaluated 2025-04-18.

Conditions:
Ullrich congenital muscular dystrophy 2 (UCMD2). Identifiers: Orphanet 75840, MedGen C4225314, MONDO:0014654, OMIM 616470.
Bethlem myopathy 2 (BTHLM2). Identifiers: Orphanet 536516, Orphanet 610, MedGen C4225313, MONDO:0034022, OMIM 616471.
Inborn genetic diseases. Identifiers: MedGen C0950123, MeSH D030342.

Allele frequency attached by ClinVar (database versions not stated): gnomAD 0.00001; TOPMed 0.00001; ExAC 0.00002; gnomAD exomes 0.00002.
gnomAD v4.1: 21 of 1,613,548 alleles (0.0013%); highest among the groups gnomAD compares: South Asian, 0.0077%; no homozygotes.

Submissions (2):

Ambry Genetics
Classification: Uncertain significance for Inborn genetic diseases. Last evaluated: 2025-04-18. Review status: criteria provided, single submitter. Criteria: Ambry Variant Classification Scheme 2023. Collection method: clinical testing. Allele origin: germline.

Labcorp Genetics (formerly Invitae), Labcorp
Classification: Uncertain significance for Bethlem myopathy 2; Ullrich congenital muscular dystrophy 2. Last evaluated: 2024-11-11. Review status: criteria provided, single submitter. Criteria: Invitae Variant Classification Sherloc (09022015). Collection method: clinical testing. Allele origin: germline.
Comment: This sequence change replaces arginine, which is basic and polar, with cysteine, which is neutral and slightly polar, at codon 1779 of the COL12A1 protein (p.Arg1779Cys). This variant is present in population databases (rs760210784, gnomAD 0.01%). This variant has not been reported in the literature in individuals affected with COL12A1-related conditions. ClinVar contains an entry for this variant (Variation ID: 659951). Invitae Evidence Modeling of protein sequence and biophysical properties (such as structural, functional, and spatial information, amino acid conservation, physicochemical variation, residue mobility, and thermodynamic stability) has been performed for this missense variant. However, the output from this modeling did not meet the statistical confidence thresholds required to predict the impact of this variant on COL12A1 protein function. In summary, the available evidence is currently insufficient to determine the role of this variant in disease. Therefore, it has been classified as a Variant of Uncertain Significance.

NM_004370.6(COL12A1):c.5335C>T (p.Arg1779Cys)

Gene: COL12A1 (collagen type XII alpha 1 chain; minus strand). Cytogenetic location: 6q13.
Variant type: single nucleotide variant.
Coding change: c.5335C>T on transcript NM_004370.6 (MANE Select); coding-DNA position 5335, C replaced by T.
Protein change: p.Arg1779Cys; replaces arginine 1779 with cysteine.
Molecular consequence: missense variant.
Genome position (GRCh38, 1-based): chr6:75,137,496, G>A on the plus strand (C>T on the coding strand, the complement: COL12A1 is on the minus strand). VCF-style: chr6-75137496-G-A. GRCh37 (hg19) VCF-style: chr6-75847212-G-A.
Other names: c.1843C>T, p.Arg615Cys (NM_080645.3); short protein forms R1779C, R615C.
Identifiers: ClinVar variation 659951 (VCV000659951.10), dbSNP rs760210784, ClinGen allele CA3893163.